The following is an entry in ClinVar:

NM_022489.4(INF2):c.1780G>C (p.Ala594Pro)

Gene: INF2 (inverted formin 2; plus strand). Cytogenetic location: 14q32.33.
Variant type: single nucleotide variant.
Coding change: c.1780G>C on transcript NM_022489.4 (MANE Select); coding-DNA position 1780, G replaced by C.
Protein change: p.Ala594Pro; replaces alanine 594 with proline.
Molecular consequence: missense variant.
Genome position (GRCh38, 1-based): chr14:104,708,480, G>C. VCF-style: chr14-104708480-G-C. GRCh37 (hg19) VCF-style: chr14-105174817-G-C.
Other names: c.1780G>C, p.Ala594Pro (NM_001031714.4, NM_001426862.1, NM_001426863.1 and 2 more transcripts); short protein forms A594P.
Identifiers: ClinVar variation 2952085 (VCV002952085.3), dbSNP rs2541925374, ClinGen allele CA391218540.

ClinVar aggregate classification (germline): Uncertain significance (1 of 4 stars; one submission).

Conditions:
Charcot-Marie-Tooth disease dominant intermediate E. Also called: CHARCOT-MARIE-TOOTH NEUROPATHY WITH FOCAL SEGMENTAL GLOMERULONEPHRITIS. Identifiers: Orphanet 93114, MedGen C4302667, MONDO:0013758, OMIM 614455.
Focal segmental glomerulosclerosis 5 (FSGS5). Identifiers: Orphanet 656, MedGen C2750475, MONDO:0013191, OMIM 613237.

Submission:

Labcorp Genetics (formerly Invitae), Labcorp
Classification: Uncertain significance for Charcot-Marie-Tooth disease dominant intermediate E; Focal segmental glomerulosclerosis 5. Last evaluated: 2023-12-12. Review status: criteria provided, single submitter. Criteria: Invitae Variant Classification Sherloc (09022015). Collection method: clinical testing. Allele origin: germline.
Comment: This sequence change replaces alanine, which is neutral and non-polar, with proline, which is neutral and non-polar, at codon 594 of the INF2 protein (p.Ala594Pro). This variant is not present in population databases (gnomAD no frequency). This variant has not been reported in the literature in individuals affected with INF2-related conditions. Advanced modeling of protein sequence and biophysical properties (such as structural, functional, and spatial information, amino acid conservation, physicochemical variation, residue mobility, and thermodynamic stability) performed at Invitae indicates that this missense variant is not expected to disrupt INF2 protein function with a negative predictive value of 95%. In summary, the available evidence is currently insufficient to determine the role of this variant in disease. Therefore, it has been classified as a Variant of Uncertain Significance.